The following is an entry in ClinVar:

ClinVar aggregate classification (germline): Conflicting classifications of pathogenicity. Review status: criteria provided, conflicting classifications (1 of 4 stars). 3 submissions from 3 submitters: Uncertain significance (2); Likely benign (1). Last evaluated 2025-01-01.

Conditions:
Adenylosuccinate lyase deficiency (ADSLD). Also called: ADSL DEFICIENCY. Identifiers: Orphanet 46, MedGen C0268126, MONDO:0007068, OMIM 103050.

Allele frequency attached by ClinVar (database versions not stated): ExAC 0.00001; gnomAD 0.00001; TOPMed 0.00001; gnomAD exomes 0.00002; ESP Exome Variant Server 0.00008.

Submissions (3):

CeGaT Center for Human Genetics Tuebingen
Classification: Uncertain significance. Last evaluated: 2025-01-01. Review status: criteria provided, single submitter. Criteria: CeGaT Center For Human Genetics Tuebingen Variant Classification Criteria Version 2. Collection method: clinical testing. Allele origin: germline. Affected: yes. Observed: 1 variant allele.
Comment: ADSL: PM2, BP4

Labcorp Genetics (formerly Invitae), Labcorp
Classification: Uncertain significance for Adenylosuccinate lyase deficiency. Last evaluated: 2022-07-23. Review status: criteria provided, single submitter. Criteria: Invitae Variant Classification Sherloc (09022015). Collection method: clinical testing. Allele origin: germline.
Comment: This sequence change falls in intron 7 of the ADSL gene. It does not directly change the encoded amino acid sequence of the ADSL protein. This variant is present in population databases (rs377164829, gnomAD 0.003%). This variant has not been reported in the literature in individuals affected with ADSL-related conditions. ClinVar contains an entry for this variant (Variation ID: 385204). Algorithms developed to predict the effect of sequence changes on RNA splicing suggest that this variant may create or strengthen a splice site. In summary, the available evidence is currently insufficient to determine the role of this variant in disease. Therefore, it has been classified as a Variant of Uncertain Significance.

GeneDx
Classification: Likely benign. Last evaluated: 2016-04-07. Review status: criteria provided, single submitter. Criteria: GeneDx Variant Classification (06012015). Collection method: clinical testing. Allele origin: germline. Affected: yes.
Comment: This variant is considered likely benign or benign based on one or more of the following criteria: it is a conservative change, it occurs at a poorly conserved position in the protein, it is predicted to be benign by multiple in silico algorithms, and/or has population frequency not consistent with disease.

NM_000026.4(ADSL):c.793-5C>A

Gene: ADSL (adenylosuccinate lyase; plus strand). Cytogenetic location: 22q13.1.
Variant type: single nucleotide variant.
Coding change: c.793-5C>A on transcript NM_000026.4 (MANE Select); 5 bases into the intron before coding-DNA position 793, C replaced by A.
Molecular consequence: intron variant.
Genome position (GRCh38, 1-based): chr22:40,361,268, C>A. VCF-style: chr22-40361268-C-A. GRCh37 (hg19) VCF-style: chr22-40757272-C-A.
Other names: c.793-5C>A (NM_001363840.3, NM_001123378.3); c.601-5C>A (NM_001317923.2).
Identifiers: ClinVar variation 385204 (VCV000385204.16), dbSNP rs377164829, ClinGen allele CA10247832.